The following is an entry in ClinVar:

ClinVar aggregate classification (germline): Uncertain significance (1 of 4 stars; one submission).

Conditions:
Bloom syndrome (BLM). Also called: Bloom-Torre-Machacek syndrome. Identifiers: Orphanet 125, MedGen C0005859, MONDO:0008876, OMIM 210900.

Submission:

Labcorp Genetics (formerly Invitae), Labcorp
Classification: Uncertain significance for Bloom syndrome. Last evaluated: 2022-01-03. Review status: criteria provided, single submitter. Criteria: Invitae Variant Classification Sherloc (09022015). Collection method: clinical testing. Allele origin: germline.
Comment: This variant has not been reported in the literature in individuals affected with BLM-related conditions. This sequence change replaces methionine, which is neutral and non-polar, with isoleucine, which is neutral and non-polar, at codon 1026 of the BLM protein (p.Met1026Ile). This variant is not present in population databases (gnomAD no frequency). Algorithms developed to predict the effect of missense changes on protein structure and function are either unavailable or do not agree on the potential impact of this missense change (SIFT: "Tolerated"; PolyPhen-2: "Probably Damaging"; Align-GVGD: "Class C0"). In summary, the available evidence is currently insufficient to determine the role of this variant in disease. Therefore, it has been classified as a Variant of Uncertain Significance.

NM_000057.4(BLM):c.3078G>A (p.Met1026Ile)

Gene: BLM (BLM RecQ like helicase; plus strand). Cytogenetic location: 15q26.1.
Variant type: single nucleotide variant.
Coding change: c.3078G>A on transcript NM_000057.4 (MANE Select); coding-DNA position 3078, G replaced by A.
Protein change: p.Met1026Ile; replaces methionine 1026 with isoleucine.
Molecular consequence: missense variant.
Genome position (GRCh38, 1-based): chr15:90,794,225, G>A. VCF-style: chr15-90794225-G-A. GRCh37 (hg19) VCF-style: chr15-91337455-G-A.
Other names: c.3078G>A, p.Met1026Ile (NM_001287246.2, NM_001287247.2); c.1953G>A, p.Met651Ile (NM_001287248.2); short protein forms M651I, M1026I.
Identifiers: ClinVar variation 1477477 (VCV001477477.6), dbSNP rs2151187237, ClinGen allele CA393846780.